The following is an entry in ClinVar:

ClinVar aggregate classification (germline): Uncertain significance (1 of 4 stars; one submission).

Conditions:
Hereditary pheochromocytoma and paraganglioma. Also called: Hereditary pheochromocytoma-paraganglioma; Hereditary Paraganglioma-Pheochromocytoma Syndromes; Hereditary paragangliomas and pheochromocytomas. Identifiers: Orphanet 29072, MedGen C4274332, MONDO:0017366.

Submission:

Labcorp Genetics (formerly Invitae), Labcorp
Classification: Uncertain significance for Hereditary pheochromocytoma and paraganglioma. Last evaluated: 2019-07-31. Review status: criteria provided, single submitter. Criteria: Invitae Variant Classification Sherloc (09022015). Collection method: clinical testing. Allele origin: germline.
Comment: This variant is not present in population databases (ExAC no frequency). In summary, the available evidence is currently insufficient to determine the role of this variant in disease. Therefore, it has been classified as a Variant of Uncertain Significance. Algorithms developed to predict the effect of missense changes on protein structure and function (SIFT, PolyPhen-2, Align-GVGD) all suggest that this variant is likely to be disruptive, but these predictions have not been confirmed by published functional studies and their clinical significance is uncertain. This sequence change replaces serine with arginine at codon 74 of the SDHAF2 protein (p.Ser74Arg). The serine residue is highly conserved and there is a moderate physicochemical difference between serine and arginine.

NM_017841.4(SDHAF2):c.222C>G (p.Ser74Arg)

Gene: SDHAF2 (succinate dehydrogenase complex assembly factor 2; plus strand). Cytogenetic location: 11q12.2.
Variant type: single nucleotide variant.
Coding change: c.222C>G on transcript NM_017841.4 (MANE Select); coding-DNA position 222, C replaced by G.
Protein change: p.Ser74Arg; replaces serine 74 with arginine.
Molecular consequence: missense variant.
Genome position (GRCh38, 1-based): chr11:61,437,810, C>G. VCF-style: chr11-61437810-C-G. GRCh37 (hg19) VCF-style: chr11-61205282-C-G.
Other names: short protein forms S74R.
Identifiers: ClinVar variation 940340 (VCV000940340.8), dbSNP rs749887667, ClinGen allele CA380683729.